The following is an entry in ClinVar:

NM_001127222.2(CACNA1A):c.643G>A (p.Val215Ile)

Gene: CACNA1A (calcium voltage-gated channel subunit alpha1 A; minus strand). Cytogenetic location: 19p13.13.
Variant type: single nucleotide variant.
Coding change: c.643G>A on transcript NM_001127222.2 (MANE Select); coding-DNA position 643, G replaced by A.
Protein change: p.Val215Ile; replaces valine 215 with isoleucine.
Molecular consequence: missense variant.
Genome position (GRCh38, 1-based): chr19:13,365,458, C>T on the plus strand (G>A on the coding strand, the complement: CACNA1A is on the minus strand). VCF-style: chr19-13365458-C-T. GRCh37 (hg19) VCF-style: chr19-13476272-C-T.
Other names: c.643G>A, p.Val215Ile (NM_000068.4, NM_001127221.2, NM_001174080.2 and 1 more transcripts); short protein forms V215I.
Identifiers: ClinVar variation 446940 (VCV000446940.9), dbSNP rs1555774867, ClinGen allele CA404348677.
Genomic context (GRCh38, chr19:13,365,458, plus strand): 5'-AAAATAGGAGGAGGCCGATCTGCAGCAAAGGGATCATCGCCTTCATGATCGACTTCAGGA[C>T]GACTTGTAAACCTGGGGGGACACAGAGAGAGGCCCCATAAGCCCATGAGCAAGTACCCCC-3'
Protein context (NP_001120694.1, residues 205-225): LVSGIPSLQV[Val215Ile]LKSIMKAMIP

ClinVar aggregate classification (germline): Uncertain significance. Review status: criteria provided, multiple submitters, no conflicts (2 of 4 stars). 2 submissions from 2 submitters: Uncertain significance (2). Last evaluated 2017-05-08.

Conditions:
Episodic ataxia type 2 (EA2). Also called: ATAXIA, EPISODIC, WITH NYSTAGMUS; ATAXIA, FAMILIAL PAROXYSMAL; CEREBELLAR ATAXIA, PAROXYSMAL, ACETAZOLAMIDE-RESPONSIVE; CEREBELLOPATHY, HEREDITARY PAROXYSMAL; ACETAZOLAMIDE-RESPONSIVE HEREDITARY PAROXYSMAL CEREBELLAR ATAXIA; EPISODIC ATAXIA, NYSTAGMUS-ASSOCIATED. Identifiers: Orphanet 97, MedGen C1720416, MONDO:0007163, OMIM 108500.
Developmental and epileptic encephalopathy, 42 (DEE42A). Also called: Epileptic encephalopathy, early infantile, 42; DEVELOPMENTAL AND EPILEPTIC ENCEPHALOPATHY 42A; EPILEPTIC ENCEPHALOPATHY, EARLY INFANTILE, 42A. Identifiers: MedGen C4310716, MONDO:0014917, OMIM 617106.

Allele frequency attached by ClinVar (database versions not stated): gnomAD exomes below 0.00001.
gnomAD v4.1: 2 of 1,613,536 alleles (0.00012%); highest among the groups gnomAD compares: Non-Finnish European, 0.00017%; no homozygotes.

Submissions (2):

Labcorp Genetics (formerly Invitae), Labcorp
Classification: Uncertain significance for Developmental and epileptic encephalopathy, 42; Episodic ataxia type 2. Last evaluated: 2017-05-08. Review status: criteria provided, single submitter. Criteria: Invitae Variant Classification Sherloc (09022015). Collection method: clinical testing. Allele origin: germline.
Comment: In summary, this variant is a novel missense change with uncertain impact on protein function. It has been classified as a Variant of Uncertain Significance. Algorithms developed to predict the effect of missense changes on protein structure and function (SIFT, PolyPhen-2, Align-GVGD) all suggest that this variant is likely to be disruptive, but these predictions have not been confirmed by published functional studies. This variant is not present in population databases (ExAC no frequency) and has not been reported in the literature in individuals with a CACNA1A-related disease. This sequence change replaces valine with isoleucine at codon 215 of the CACNA1A protein (p.Val215Ile). The valine residue is highly conserved and there is a small physicochemical difference between valine and isoleucine.

Athena Diagnostics
Classification: Uncertain significance. Last evaluated: 2017-02-21. Review status: criteria provided, single submitter. Criteria: Athena Diagnostics Criteria. Collection method: clinical testing. Allele origin: germline.